The following is an entry in ClinVar:

ClinVar aggregate classification (germline): Uncertain significance (1 of 4 stars; one submission).

Conditions:
Brugada syndrome 5 (BRGDA5). Identifiers: Orphanet 130, Orphanet 871, MedGen C2748541, MONDO:0013015, OMIM 612838.

Submission:

Labcorp Genetics (formerly Invitae), Labcorp
Classification: Uncertain significance for Brugada syndrome 5. Last evaluated: 2025-02-26. Review status: criteria provided, single submitter. Criteria: Invitae Variant Classification Sherloc (09022015). Collection method: clinical testing. Allele origin: germline.
Comment: The SCN1B gene has multiple clinically relevant transcripts. This variant occurs in alternate transcript NM_001037.4, and corresponds to NM_199037.3:c.*5086A>G in the primary transcript. This sequence change replaces isoleucine, which is neutral and non-polar, with methionine, which is neutral and non-polar, at codon 172 of the SCN1B protein (p.Ile172Met). This variant is not present in population databases (gnomAD no frequency). This variant has not been reported in the literature in individuals affected with SCN1B-related conditions. Experimental studies and prediction algorithms are not available or were not evaluated, and the functional significance of this variant is currently unknown. In summary, the available evidence is currently insufficient to determine the role of this variant in disease. Therefore, it has been classified as a Variant of Uncertain Significance.

NM_001037.5(SCN1B):c.516A>G (p.Ile172Met)

Gene: SCN1B (sodium voltage-gated channel beta subunit 1; plus strand). Cytogenetic location: 19q13.11.
Variant type: single nucleotide variant.
Coding change: c.516A>G on transcript NM_001037.5 (MANE Select); coding-DNA position 516, A replaced by G.
Protein change: p.Ile172Met; replaces isoleucine 172 with methionine.
Molecular consequence: missense variant.
Genome position (GRCh38, 1-based): chr19:35,039,184, A>G. VCF-style: chr19-35039184-A-G. GRCh37 (hg19) VCF-style: chr19-35530088-A-G.
Other names: c.417A>G, p.Ile139Met (NM_001321605.2); short protein forms I172M, I139M.
Identifiers: ClinVar variation 4738412 (VCV004738412.1).
Genomic context (GRCh38, chr19:35,039,184, plus strand): 5'-AGACATGGCATCCATCGTGTCTGAGATCATGATGTATGTGCTCATTGTGGTGTTGACCAT[A>G]TGGCTCGTGGCAGAGATGATTTACTGCTACAAGAAGATCGCTGCCGCCACGGAGACTGCT-3'
Protein context (NP_001028.1, residues 162-182): MMYVLIVVLT[Ile172Met]WLVAEMIYCY